The following is an entry in ClinVar:

ClinVar aggregate classification (germline): Uncertain significance. Review status: criteria provided, multiple submitters, no conflicts (2 of 4 stars). 2 submissions from 2 submitters: Uncertain significance (2). Last evaluated 2025-04-15.

Conditions:
Oto-palato-digital syndrome, type I (OPD1). Also called: Otopalatodigital Syndrome Type 1 (FLNA-OPD1); Otopalatodigital Syndrome, Type I; OPD I SYNDROME; OPD SYNDROME 1; Taybi syndrome. Identifiers: Orphanet 669, Orphanet 90650, MedGen C0265251, MONDO:0010704, OMIM 311300.

gnomAD v4.1: 2 of 1,211,574 alleles (0.00017%); highest among the groups gnomAD compares: Non-Finnish European, 0.00022%; no homozygotes.

Submissions (2):

Dasa
Classification: Uncertain significance. Last evaluated: 2025-04-15. Review status: criteria provided, single submitter. Criteria: DASA Assertion Criteria. Collection method: clinical testing. Allele origin: germline.
Comment: NM_001110556.2(FLNA):c.3364T>G (p.Cys1122Gly) is a missense variant that results in the substitution of cysteine with glycine. This variant is rare in population databases. Computational prediction algorithms are consistent with a deleterious effect. The currently available literature and clinical evidence are not sufficient to establish a definitive association between this variant and the reported condition. Therefore, this variant is classified as a variant of uncertain significance.

Laboratory of Medical Genetics, National & Kapodistrian University of Athens
Classification: Uncertain significance for Oto-palato-digital syndrome, type I. Last evaluated: 2022-05-11. Review status: criteria provided, single submitter. Criteria: ACMG Guidelines, 2015. Collection method: clinical testing. Allele origin: germline. Affected: yes.
Comment: PM2, PP3

NM_001110556.2(FLNA):c.3364T>G (p.Cys1122Gly)

Gene: FLNA (filamin A; minus strand). Cytogenetic location: Xq28.
Variant type: single nucleotide variant.
Coding change: c.3364T>G on transcript NM_001110556.2 (MANE Select); coding-DNA position 3364, T replaced by G.
Protein change: p.Cys1122Gly; replaces cysteine 1122 with glycine.
Molecular consequence: missense variant.
Genome position (GRCh38, 1-based): chrX:154,360,431, A>C on the plus strand (T>G on the coding strand, the complement: FLNA is on the minus strand). VCF-style: chrX-154360431-A-C. GRCh37 (hg19) VCF-style: chrX-153588799-A-C.
Other names: c.3364T>G, p.Cys1122Gly (NM_001456.4); short protein forms C1122G.
Identifiers: ClinVar variation 1708104 (VCV001708104.3), dbSNP rs2522741699, ClinGen allele CA415228222.